The following is an entry in ClinVar:

ClinVar aggregate classification (germline): Uncertain significance (1 of 4 stars; one submission).

Conditions:
Inborn genetic diseases. Identifiers: MedGen C0950123, MeSH D030342.

gnomAD v4.1: 10 of 1,614,034 alleles (0.00062%); highest among the groups gnomAD compares: Admixed American, 0.0017%; no homozygotes.

Submission:

Ambry Genetics
Classification: Uncertain significance for Inborn genetic diseases. Last evaluated: 2026-07-19. Review status: criteria provided, single submitter. Criteria: Ambry Variant Classification Scheme 2023. Collection method: clinical testing. Allele origin: germline.
Comment: The c.554G>A (p.R185Q) alteration is located in exon 8 (coding exon 5) of the SPOP gene. This alteration results from a G to A substitution at nucleotide position 554, causing the arginine (R) at amino acid position 185 to be replaced by a glutamine (Q). Based on data from gnomAD, the A allele has an overall frequency of <0.001% (1/251278) total alleles studied. The highest observed frequency was 0.001% (1/113572) of European (non-Finnish) alleles. Based on insufficient or conflicting evidence, the clinical significance of this alteration remains unclear.

NM_001007228.2(SPOP):c.554G>A (p.Arg185Gln)

Gene: SPOP (speckle type BTB/POZ protein; minus strand). Cytogenetic location: 17q21.33.
Variant type: single nucleotide variant.
Coding change: c.554G>A on transcript NM_001007228.2 (MANE Select); coding-DNA position 554, G replaced by A.
Protein change: p.Arg185Gln; replaces arginine 185 with glutamine.
Molecular consequence: missense variant.
Genome position (GRCh38, 1-based): chr17:49,611,384, C>T on the plus strand (G>A on the coding strand, the complement: SPOP is on the minus strand). VCF-style: chr17-49611384-C-T. GRCh37 (hg19) VCF-style: chr17-47688746-C-T.
Other names: c.554G>A, p.Arg185Gln (NM_001370730.1, NM_001370731.1, NM_001370732.1 and 5 more transcripts); short protein forms R185Q.
Identifiers: ClinVar variation 5030100 (VCV005030100.1).
Genomic context (GRCh38, chr17:49,611,384, plus strand): 5'-CACAAGCAGCAGTCTGTGAACCGGGAATTCTCCCACAGTCCTCCTAACTCATCTGCCAGC[C>T]GGCACTCAGGAACCTTTACCATGTTCATGGTATTCTGGCCAGAAATGTTGACAGAATCTT-3'
Protein context (NP_001007229.1, residues 175-195): TMNMVKVPEC[Arg185Gln]LADELGGLWE